The following is an entry in ClinVar:

NM_001379029.1(CERT1):c.595+5A>C

Gene: CERT1 (ceramide transporter 1; minus strand). Cytogenetic location: 5q13.3.
Variant type: single nucleotide variant.
Coding change: c.595+5A>C on transcript NM_001379029.1 (MANE Select); 5 bases into the intron after coding-DNA position 595, A replaced by C.
Molecular consequence: intron variant.
Genome position (GRCh38, 1-based): chr5:75,425,356, T>G on the plus strand (A>C on the coding strand, the complement: CERT1 is on the minus strand). VCF-style: chr5-75425356-T-G. GRCh37 (hg19) VCF-style: chr5-74721181-T-G.
Other names: c.595+5A>C (NM_001379003.1, NM_031361.3, NM_001379002.1 and 2 more transcripts); c.979+5A>C (NM_001130105.1).
Identifiers: ClinVar variation 3234506 (VCV003234506.20), dbSNP rs781740125, ClinGen allele CA3309248.

ClinVar aggregate classification (germline): Uncertain significance (1 of 4 stars; one submission).

Allele frequency attached by ClinVar (database versions not stated): ExAC 0.00001; gnomAD 0.00001; gnomAD exomes 0.00001; TOPMed 0.00001.
gnomAD v4.1: 10 of 1,611,054 alleles (0.00062%); highest among the groups gnomAD compares: Non-Finnish European, 0.00068%; no homozygotes.

Submission:

CeGaT Center for Human Genetics Tuebingen
Classification: Uncertain significance. Last evaluated: 2024-04-01. Review status: criteria provided, single submitter. Criteria: CeGaT Center For Human Genetics Tuebingen Variant Classification Criteria Version 2. Collection method: clinical testing. Allele origin: germline. Affected: yes. Observed: 1 variant allele.
Comment: CERT1: PM2